The following is an entry in ClinVar:

NM_012079.6(DGAT1):c.140del (p.Pro47fs)

Genes: DGAT1 (diacylglycerol O-acyltransferase 1; minus strand), LOC130001385 (ATAC-STARR-seq lymphoblastoid silent region 19672; plus strand). Cytogenetic location: 8q24.3.
Variant type: Deletion.
Coding change: c.140del on transcript NM_012079.6 (MANE Select); coding-DNA position 140, one base deleted (C; older notation c.140delC).
Protein change: p.Pro47fs; shifts the reading frame from proline 47.
Molecular consequence: frameshift variant.
Genome position (GRCh38, 1-based): chr8:144,326,497, G deleted on the plus strand (C on the coding strand, the reverse complement: DGAT1 is on the minus strand); the first of 2 consecutive G bases (chr8:144,326,497-144,326,498); deleting either gives the same sequence. VCF-style (leftmost placement, unchanged base first): chr8-144326496-TG-T. GRCh37 (hg19) VCF-style: chr8-145550159-TG-T.
Other names: short protein forms P47fs.
Identifiers: ClinVar variation 1705597 (VCV001705597.1), dbSNP rs2488972713, ClinGen allele CA2580078686.
Genomic context (GRCh38, chr8:144,326,496, plus strand): 5'-CCTCAGCTCCCAGTGGCCGCTGCCCACGCCGGCGTCTCCGTCCTTGTTGGGGGCCGGGGC[TG>T]GCGCGTCCCCCGCGGCTCCCACGTCGGGGCCCGCAGCGGCGTCCCGCACCTCCTCTTCCG-3'

ClinVar aggregate classification (germline): Likely pathogenic (1 of 4 stars; one submission).

Conditions:
Congenital diarrhea 7 with exudative enteropathy. Also called: Diarrhea 7. Identifiers: Orphanet 329242, MedGen C4014516, MONDO:0014375, OMIM 615863.

Submission:

3billion
Classification: Likely pathogenic for Congenital diarrhea 7 with exudative enteropathy. Last evaluated: 2022-09-01. Review status: criteria provided, single submitter. Criteria: ACMG Guidelines, 2015. Collection method: clinical testing. Allele origin: germline. Affected: yes. Observed: 1 homozygote.
Comment: The variant is not observed in the gnomAD v2.1.1 dataset. Frameshift variant is predicted to result in a loss or disruption of normal protein function through nonsense-mediated decay (NMD) or protein truncation. Multiple pathogenic variants are reported downstream of the variant. Therefore, this variant is classified as likley pathogenic according to the recommendation of ACMG/AMP guideline.